The following is an entry in ClinVar:

ClinVar aggregate classification (germline): Benign/Likely benign. Review status: criteria provided, multiple submitters, no conflicts (2 of 4 stars). 5 submissions from 5 submitters: Benign (1); Likely benign (4). Last evaluated 2026-08-01.

Conditions:
Hereditary cancer-predisposing syndrome. Also called: Hereditary neoplastic syndrome; Hereditary Cancer Syndrome; Neoplastic Syndromes, Hereditary; Tumor predisposition. Identifiers: Orphanet 140162, MedGen C0027672, MeSH D009386, MONDO:0015356.
Baller-Gerold syndrome (BGS). Also called: CRANIOSYNOSTOSIS WITH RADIAL DEFECTS. Identifiers: Orphanet 1225, MedGen C0265308, MONDO:0009039, OMIM 218600.

Allele frequency attached by ClinVar (database versions not stated): gnomAD exomes 0.00011 and 0.00033; ExAC 0.00045; 1000 Genomes Project 30x 0.00078; 1000 Genomes Project 0.00080; gnomAD 0.00110 and 0.00122; TOPMed 0.00132; ESP Exome Variant Server 0.00135.

Submissions (5):

CeGaT Center for Human Genetics Tuebingen
Classification: Likely benign. Last evaluated: 2026-08-01. Review status: criteria provided, single submitter. Criteria: CeGaT Center For Human Genetics Tuebingen Variant Classification Criteria Version 2. Collection method: clinical testing. Allele origin: germline. Affected: yes. Observed: 1 variant allele.
Comment: RECQL4: BP4, BP7

Labcorp Genetics (formerly Invitae), Labcorp
Classification: Benign for Baller-Gerold syndrome. Last evaluated: 2026-01-05. Review status: criteria provided, single submitter. Criteria: Invitae Variant Classification Sherloc (09022015). Collection method: clinical testing. Allele origin: germline.

Blueprint Genetics
Classification: Likely benign. Last evaluated: 2024-02-21. Review status: criteria provided, single submitter. Criteria: ACMG Guidelines, 2015. Collection method: clinical testing. Allele origin: germline.

Sema4
Classification: Likely benign for Hereditary cancer-predisposing syndrome. Last evaluated: 2021-10-24. Review status: criteria provided, single submitter. Criteria: Sema4 Curation Guidelines. Collection method: curation. Allele origin: germline.

GeneDx
Classification: Likely benign. Last evaluated: 2019-02-21. Review status: criteria provided, single submitter. Criteria: GeneDx Variant Classification Process June 2021. Collection method: clinical testing. Allele origin: germline. Affected: yes.

NM_004260.4(RECQL4):c.3594G>A (p.Leu1198=)

Gene: RECQL4 (RecQ like helicase 4; minus strand). Cytogenetic location: 8q24.3.
Variant type: single nucleotide variant.
Coding change: c.3594G>A on transcript NM_004260.4 (MANE Select); coding-DNA position 3594, G replaced by A.
Protein change: p.Leu1198=; no amino-acid change (leucine 1198 retained).
Molecular consequence: synonymous variant.
Genome position (GRCh38, 1-based): chr8:144,511,464, C>T on the plus strand (G>A on the coding strand, the complement: RECQL4 is on the minus strand). VCF-style: chr8-144511464-C-T. GRCh37 (hg19) VCF-style: chr8-145736847-C-T.
Identifiers: ClinVar variation 239769 (VCV000239769.16), dbSNP rs146398243, ClinGen allele CA4947631.